The following is an entry in ClinVar:

ClinVar aggregate classification (germline): Conflicting classifications of pathogenicity. Review status: criteria provided, conflicting classifications (1 of 4 stars). 4 submissions from 4 submitters: Uncertain significance (3); Likely benign (1). Last evaluated 2025-06-19.

Conditions:
Hereditary cancer-predisposing syndrome. Also called: Hereditary Cancer Syndrome; Neoplastic Syndromes, Hereditary; Hereditary neoplastic syndrome; Tumor predisposition. Identifiers: Orphanet 140162, MedGen C0027672, MeSH D009386, MONDO:0015356.
Lynch syndrome. Identifiers: Orphanet 144, MedGen C4552100, MONDO:0005835. Disease mechanism: loss of function.
Hereditary nonpolyposis colorectal neoplasms. Identifiers: MedGen C0009405, MeSH D003123.

Allele frequency attached by ClinVar (database versions not stated): gnomAD exomes 0.00002; ExAC 0.00003.

Submissions (4):

Labcorp Genetics (formerly Invitae), Labcorp
Classification: Likely benign for Hereditary nonpolyposis colorectal neoplasms. Last evaluated: 2025-06-19. Review status: criteria provided, single submitter. Criteria: Invitae Variant Classification Sherloc (09022015). Collection method: clinical testing. Allele origin: germline.

Ambry Genetics
Classification: Uncertain significance for Hereditary cancer-predisposing syndrome. Last evaluated: 2024-05-10. Review status: criteria provided, single submitter. Criteria: Ambry Variant Classification Scheme 2023. Collection method: clinical testing. Allele origin: germline.
Comment: The p.E1322V variant (also known as c.3965A>T), located in coding exon 9 of the MSH6 gene, results from an A to T substitution at nucleotide position 3965. The glutamic acid at codon 1322 is replaced by valine, an amino acid with dissimilar properties. This amino acid position is well conserved in available vertebrate species. In addition, this alteration is predicted to be deleterious by in silico analysis. Based on the available evidence, the clinical significance of this variant remains unclear.

All of Us Research Program, National Institutes of Health
Classification: Uncertain significance for Lynch syndrome. Last evaluated: 2023-11-30. Review status: criteria provided, single submitter. Criteria: ACMG Guidelines, 2015. Collection method: clinical testing. Allele origin: germline. Inheritance: Autosomal dominant inheritance. Observed: 1 variant allele, 1 heterozygote.
Comment: This missense variant replaces glutamic acid with valine at codon 1322 of the MSH6 protein. Computational prediction suggests that this variant may have deleterious impact on protein structure and function (internally defined REVEL score threshold >= 0.7, PMID: 27666373). Splice site prediction tools suggest that this variant may not impact RNA splicing. To our knowledge, functional studies have not been performed for this variant. This variant has not been reported in individuals affected with hereditary cancer in the literature. This variant has been identified in 4/248284 chromosomes in the general population by the Genome Aggregation Database (gnomAD). The available evidence is insufficient to determine the role of this variant in disease conclusively. Therefore, this variant is classified as a Variant of Uncertain Significance.

This study involves interpretation of variants in research participants for the purpose of population health screening. Participant phenotype was not available at the time of variant classification. Additional details can be found in publication PMID: 35346344, PMCID: PMC8962531

Color Diagnostics, LLC DBA Color Health
Classification: Uncertain significance for Hereditary cancer-predisposing syndrome. Last evaluated: 2019-10-16. Review status: criteria provided, single submitter. Criteria: ACMG Guidelines, 2015. Collection method: clinical testing. Allele origin: germline.
Comment: This missense variant replaces glutamic acid with valine at codon 1322 of the MSH6 protein. Computational prediction suggests that this variant may have deleterious impact on protein structure and function (internally defined REVEL score threshold >= 0.7, PMID: 27666373). Splice site prediction tools suggest that this variant may not impact RNA splicing. To our knowledge, functional studies have not been performed for this variant. This variant has not been reported in individuals affected with hereditary cancer in the literature. This variant has been identified in 4/248284 chromosomes in the general population by the Genome Aggregation Database (gnomAD). The available evidence is insufficient to determine the role of this variant in disease conclusively. Therefore, this variant is classified as a Variant of Uncertain Significance.

NM_000179.3(MSH6):c.3965A>T (p.Glu1322Val)

Gene: MSH6 (mutS homolog 6; plus strand). Cytogenetic location: 2p16.3.
Variant type: single nucleotide variant.
Coding change: c.3965A>T on transcript NM_000179.3 (MANE Select); coding-DNA position 3965, A replaced by T.
Protein change: p.Glu1322Val; replaces glutamic acid 1322 with valine.
Molecular consequence: missense variant.
Genome position (GRCh38, 1-based): chr2:47,806,615, A>T. VCF-style: chr2-47806615-A-T. GRCh37 (hg19) VCF-style: chr2-48033754-A-T.
Other names: c.3575A>T, p.Glu1192Val (NM_001281492.2); c.3059A>T, p.Glu1020Val (NM_001281493.2, NM_001281494.2); short protein forms E1322V, E1020V, E1192V.
Identifiers: ClinVar variation 428408 (VCV000428408.16), dbSNP rs763608368, ClinGen allele CA072394.